The following is an entry in ClinVar:

ClinVar aggregate classification (germline): Uncertain significance. Review status: criteria provided, multiple submitters, no conflicts (2 of 4 stars). 2 submissions from 2 submitters: Uncertain significance (2). Last evaluated 2025-05-04.

Submissions (2):

Ambry Genetics
Classification: Uncertain significance. Last evaluated: 2025-05-04. Review status: criteria provided, single submitter. Criteria: Ambry Variant Classification Scheme 2023. Collection method: clinical testing. Allele origin: germline.

Labcorp Genetics (formerly Invitae), Labcorp
Classification: Uncertain significance. Last evaluated: 2024-12-18. Review status: criteria provided, single submitter. Criteria: Invitae Variant Classification Sherloc (09022015). Collection method: clinical testing. Allele origin: germline.
Comment: This sequence change replaces valine, which is neutral and non-polar, with glycine, which is neutral and non-polar, at codon 486 of the TOP2B protein (p.Val486Gly). This variant is not present in population databases (gnomAD no frequency). This variant has not been reported in the literature in individuals affected with TOP2B-related conditions. An algorithm developed to predict the effect of missense changes on protein structure and function (PolyPhen-2) suggests that this variant is likely to be disruptive. In summary, the available evidence is currently insufficient to determine the role of this variant in disease. Therefore, it has been classified as a Variant of Uncertain Significance.

NM_001330700.2(TOP2B):c.1472T>G (p.Val491Gly)

Gene: TOP2B (DNA topoisomerase II beta; minus strand). Cytogenetic location: 3p24.2.
Variant type: single nucleotide variant.
Coding change: c.1472T>G on transcript NM_001330700.2 (MANE Select); coding-DNA position 1472, T replaced by G.
Protein change: p.Val491Gly; replaces valine 491 with glycine.
Molecular consequence: missense variant.
Genome position (GRCh38, 1-based): chr3:25,630,403, A>C on the plus strand (T>G on the coding strand, the complement: TOP2B is on the minus strand). VCF-style: chr3-25630403-A-C. GRCh37 (hg19) VCF-style: chr3-25671894-A-C.
Other names: c.1457T>G (NM_001068.2); c.1457T>G, p.Val486Gly (NM_001068.3); short protein forms V486G, V491G.
Identifiers: ClinVar variation 3727589 (VCV003727589.3).